The following is an entry in ClinVar:

NM_015978.3(TNNI3K):c.334-8C>T

Genes: FPGT-TNNI3K (FPGT-TNNI3K readthrough; plus strand), TNNI3K (TNNI3 interacting kinase; plus strand). Cytogenetic location: 1p31.1.
Variant type: single nucleotide variant.
Coding change: c.334-8C>T on transcript NM_015978.3 (MANE Select); 8 bases into the intron before coding-DNA position 334, C replaced by T.
Molecular consequence: intron variant.
Genome position (GRCh38, 1-based): chr1:74,271,590, C>T. VCF-style: chr1-74271590-C-T. GRCh37 (hg19) VCF-style: chr1-74737274-C-T.
Other names: p.?; c.637-8C>T (NM_001112808.3, NM_001199327.2).
Identifiers: ClinVar variation 790334 (VCV000790334.45), dbSNP rs45443204, ClinGen allele CA908871.

ClinVar aggregate classification (germline): Benign/Likely benign. Review status: criteria provided, multiple submitters, no conflicts (2 of 4 stars). 8 submissions from 8 submitters: Benign (5); Likely benign (2). 1 of the submissions does not count toward it. Last evaluated 2026-08-01.

Conditions:
Atrial conduction disease. Identifiers: Orphanet 436242, MedGen CN221670, MONDO:0014500.

Allele frequency attached by ClinVar (database versions not stated): gnomAD 0.00528 and 0.00534; gnomAD exomes 0.00562 and 0.00598; ExAC 0.00573; 1000 Genomes Project 0.00579; ESP Exome Variant Server 0.00592; TOPMed 0.00615; 1000 Genomes Project 30x 0.00640.
gnomAD v4.1: 9,523 of 1,586,816 alleles (0.6%); highest among the groups gnomAD compares: Middle Eastern, 2.3%; 42 homozygotes.

Submissions (8):

CeGaT Center for Human Genetics Tuebingen
Classification: Likely benign. Last evaluated: 2026-08-01. Review status: criteria provided, single submitter. Criteria: CeGaT Center For Human Genetics Tuebingen Variant Classification Criteria Version 2. Collection method: clinical testing. Allele origin: germline. Affected: yes. Observed: 6 variant alleles.
Comment: TNNI3K: BP4, BS2; FPGT-TNNI3K: BP4, BS2

Labcorp Genetics (formerly Invitae), Labcorp
Classification: Benign. Last evaluated: 2026-02-04. Review status: criteria provided, single submitter. Criteria: Invitae Variant Classification Sherloc (09022015). Collection method: clinical testing. Allele origin: germline.

ARUP Laboratories, Molecular Genetics and Genomics, ARUP Laboratories
Classification: Benign for Cardiac conduction disease with or without dilated cardiomyopathy 1. Last evaluated: 2025-05-28. Review status: criteria provided, single submitter. Criteria: ARUP Molecular Germline Variant Investigation Process 2024. Collection method: clinical testing. Allele origin: germline.

Molecular Diagnostic Laboratory for Inherited Cardiovascular Disease, Montreal Heart Institute
Classification: Likely benign. Last evaluated: 2025-04-09. Review status: criteria provided, single submitter. Criteria: ACMG Guidelines, 2015. Collection method: clinical testing. Allele origin: germline. Affected: no.

Genome-Nilou Lab
Classification: Benign for Cardiac conduction disease with or without dilated cardiomyopathy 1. Last evaluated: 2023-04-11. Review status: criteria provided, single submitter. Criteria: ACMG Guidelines, 2015. Collection method: clinical testing. Allele origin: germline. Affected: no.

Mayo Clinic Laboratories, Mayo Clinic
Classification: Benign. Last evaluated: 2023-02-21. Review status: criteria provided, single submitter. Criteria: ACMG Guidelines, 2015. Collection method: clinical testing. Allele origin: germline. Observed: 12 variant alleles.
Comment: BS1, BS2, BP4, BP7

Breakthrough Genomics
Classification: Benign. Review status: criteria provided, single submitter. Criteria: ACMG Guidelines, 2015. Collection method: not provided. Allele origin: germline. Inheritance: Autosomal dominant inheritance. Affected: yes.

Joint Genome Diagnostic Labs from Nijmegen and Maastricht, Radboudumc and MUMC+
Classification: Benign. Review status: no assertion criteria provided. Collection method: clinical testing. Allele origin: germline. Affected: yes. Study: VKGL Data-share Consensus. Not counted in ClinVar's aggregate classification.